The following is an entry in ClinVar:

ClinVar aggregate classification (germline): Pathogenic. Review status: criteria provided, multiple submitters, no conflicts (2 of 4 stars). 2 submissions from 2 submitters: Pathogenic (2). Last evaluated 2019-07-01.

Conditions:
DICER1-related tumor predisposition. Also called: DICER1 syndrome; DICER1-related pleuropulmonary blastoma cancer predisposition syndrome. Identifiers: Orphanet 284343, MedGen C3839822, MONDO:0100216.

Submissions (2):

Foulkes Cancer Genetics LDI, Lady Davis Institute for Medical Research
Classification: Pathogenic for Pleuropulmonary blastoma. Last evaluated: 2019-07-01. Review status: criteria provided, single submitter. Criteria: ACMG Guidelines, 2015. Collection method: curation. Allele origin: germline. Affected: yes. Observed: 1 variant allele.
Comment: ACMG criteria met: PVS1, PM2, PP4

International Pleuropulmonary Blastoma Registry, Children's Hospitals and Clinics of Minnesota
Classification: Pathogenic for Pleuropulmonary blastoma. Last evaluated: 2014-11-10. Review status: criteria provided, single submitter. Criteria: Hill et al. (Science. 2009). Collection method: clinical testing. Allele origin: germline. Affected: yes. Study: PPB-DICER1 Genetic study.

Literature cited by the submitters: PubMed 26925222 (cited by Foulkes Cancer Genetics LDI, Lady Davis Institute for Medical Research and International Pleuropulmonary Blastoma Registry, Children's Hospitals and Clinics of Minnesota).

NM_177438.3(DICER1):c.3175dup (p.Tyr1059fs)

Gene: DICER1 (dicer 1, ribonuclease III; minus strand). Cytogenetic location: 14q32.13.
Variant type: Duplication.
Coding change: c.3175dup on transcript NM_177438.3 (MANE Select); coding-DNA position 3175, one base duplicated (T; older notation c.3175dupT).
Protein change: p.Tyr1059fs; shifts the reading frame from tyrosine 1059.
Molecular consequence: frameshift variant.
Genome position (GRCh38, 1-based): chr14:95,105,165, A duplicated on the plus strand (T on the coding strand, the reverse complement: DICER1 is on the minus strand); the first of 3 consecutive A bases (chr14:95,105,165-95,105,167); duplicating any one gives the same sequence. VCF-style (leftmost placement, unchanged base first): chr14-95105164-T-TA. GRCh37 (hg19) VCF-style: chr14-95571501-T-TA.
Other names: c.3175dupT (NM_177438.2); c.3175dup, p.Tyr1059fs (NM_001195573.1, NM_001271282.3, NM_001291628.2 and 1 more transcripts); short protein forms Y1059fs.
Identifiers: ClinVar variation 254316 (VCV000254316.4), dbSNP rs886037697, ClinGen allele CA10586434.